The following is an entry in ClinVar:

ClinVar aggregate classification (germline): Uncertain significance (1 of 4 stars; one submission).

Conditions:
Congenital sideroblastic anemia-B-cell immunodeficiency-periodic fever-developmental delay syndrome. Also called: Sideroblastic anemia with B-cell immunodeficiency, periodic fevers, and developmental delay. Identifiers: Orphanet 369861, MedGen C4015172, MONDO:0014487, OMIM 616084.

gnomAD v4.1: 3 of 1,581,082 alleles (0.00019%); highest among the groups gnomAD compares: Non-Finnish European, 0.00026%; no homozygotes.

Submission:

Labcorp Genetics (formerly Invitae), Labcorp
Classification: Uncertain significance for Congenital sideroblastic anemia-B-cell immunodeficiency-periodic fever-developmental delay syndrome. Last evaluated: 2022-04-26. Review status: criteria provided, single submitter. Criteria: Invitae Variant Classification Sherloc (09022015). Collection method: clinical testing. Allele origin: germline.
Comment: This sequence change falls in intron 6 of the TRNT1 gene. It does not directly change the encoded amino acid sequence of the TRNT1 protein. It affects a nucleotide within the consensus splice site. This variant is not present in population databases (gnomAD no frequency). This variant has not been reported in the literature in individuals affected with TRNT1-related conditions. Variants that disrupt the consensus splice site are a relatively common cause of aberrant splicing (PMID: 17576681, 9536098). Algorithms developed to predict the effect of sequence changes on RNA splicing suggest that this variant may disrupt the consensus splice site. In summary, the available evidence is currently insufficient to determine the role of this variant in disease. Therefore, it has been classified as a Variant of Uncertain Significance.

Literature cited by the submitters: PubMed 17576681; PubMed 9536098.

NM_182916.3(TRNT1):c.802+5G>C

Gene: TRNT1 (tRNA nucleotidyl transferase 1; plus strand). Cytogenetic location: 3p26.2.
Variant type: single nucleotide variant.
Coding change: c.802+5G>C on transcript NM_182916.3 (MANE Select); 5 bases into the intron after coding-DNA position 802, G replaced by C.
Molecular consequence: intron variant.
Genome position (GRCh38, 1-based): chr3:3,146,628, G>C. VCF-style: chr3-3146628-G-C. GRCh37 (hg19) VCF-style: chr3-3188312-G-C.
Other names: c.802+5G>C (NM_001367321.1, NM_001367323.1, NM_001367322.1); c.742+65G>C (NM_001302946.2).
Identifiers: ClinVar variation 2130885 (VCV002130885.1), dbSNP rs2471343326, ClinGen allele CA2580069143.